The following is an entry in ClinVar:

ClinVar aggregate classification (germline): Uncertain significance (1 of 4 stars; one submission).

Conditions:
Glycine encephalopathy. Also called: Nonketotic hyperglycinemia; Non-ketotic hyperglycinemia. Identifiers: Orphanet 407, MedGen C0751748, MONDO:0011612, HP:0008288.

Submission:

Labcorp Genetics (formerly Invitae), Labcorp
Classification: Uncertain significance for Glycine encephalopathy. Last evaluated: 2021-07-31. Review status: criteria provided, single submitter. Criteria: Invitae Variant Classification Sherloc (09022015). Collection method: clinical testing. Allele origin: germline.
Comment: This variant has not been reported in the literature in individuals affected with GLDC-related conditions. Advanced modeling of protein sequence and biophysical properties (such as structural, functional, and spatial information, amino acid conservation, physicochemical variation, residue mobility, and thermodynamic stability) performed at Invitae indicates that this missense variant is not expected to disrupt GLDC protein function. In summary, the available evidence is currently insufficient to determine the role of this variant in disease. Therefore, it has been classified as a Variant of Uncertain Significance. The frequency data for this variant in the population databases is considered unreliable, as metrics indicate insufficient coverage at this position in the ExAC database. This sequence change replaces serine with cysteine at codon 44 of the GLDC protein (p.Ser44Cys). The serine residue is weakly conserved and there is a moderate physicochemical difference between serine and cysteine.

NM_000170.3(GLDC):c.130A>T (p.Ser44Cys)

Gene: GLDC (glycine decarboxylase; minus strand). Cytogenetic location: 9p24.1.
Variant type: single nucleotide variant.
Coding change: c.130A>T on transcript NM_000170.3 (MANE Select); coding-DNA position 130, A replaced by T.
Protein change: p.Ser44Cys; replaces serine 44 with cysteine.
Molecular consequence: missense variant.
Genome position (GRCh38, 1-based): chr9:6,645,370, T>A on the plus strand (A>T on the coding strand, the complement: GLDC is on the minus strand). VCF-style: chr9-6645370-T-A. GRCh37 (hg19) VCF-style: chr9-6645370-T-A.
Other names: short protein forms S44C.
Identifiers: ClinVar variation 1371400 (VCV001371400.6), dbSNP rs2130032299, ClinGen allele CA372886946.